The following is an entry in ClinVar:

NM_058195.4(CDKN2A):c.77A>G (p.His26Arg)

Gene: CDKN2A (cyclin dependent kinase inhibitor 2A; minus strand). Cytogenetic location: 9p21.3.
Variant type: single nucleotide variant.
Coding change: c.77A>G on transcript NM_058195.4 (MANE Plus Clinical); coding-DNA position 77, A replaced by G.
Protein change: p.His26Arg; replaces histidine 26 with arginine.
Molecular consequence: missense variant. On other transcripts: intron variant (1).
Genome position (GRCh38, 1-based): chr9:21,994,255, T>C on the plus strand (A>G on the coding strand, the complement: CDKN2A is on the minus strand). VCF-style: chr9-21994255-T-C. GRCh37 (hg19) VCF-style: chr9-21994254-T-C.
Other names: c.-4+566A>G (NM_001363763.2); short protein forms H26R.
Identifiers: ClinVar variation 1362912 (VCV001362912.5), dbSNP rs780803896, ClinGen allele CA5012394.

ClinVar aggregate classification (germline): Uncertain significance. Review status: criteria provided, multiple submitters, no conflicts (2 of 4 stars). 3 submissions from 3 submitters: Uncertain significance (3). Last evaluated 2023-10-09.

Conditions:
Hereditary cancer-predisposing syndrome. Also called: Tumor predisposition; Neoplastic Syndromes, Hereditary; Hereditary Cancer Syndrome; Hereditary neoplastic syndrome. Identifiers: Orphanet 140162, MedGen C0027672, MeSH D009386, MONDO:0015356.
Melanoma and neural system tumor syndrome. Also called: MELANOMA-ASTROCYTOMA SYNDROME. Identifiers: Orphanet 252206, MedGen C1835042, MONDO:0007967, OMIM 155755.
Familial melanoma. Also called: Hereditary melanoma; Hereditary cutaneous melanoma. Identifiers: Orphanet 618, MedGen C1512419, MONDO:0018961.

Allele frequency attached by ClinVar (database versions not stated): ExAC 0.00001; gnomAD exomes 0.00002 and 0.00001.
gnomAD v4.1: 11 of 1,606,532 alleles (0.00068%); highest among the groups gnomAD compares: South Asian, 0.0099%; 1 homozygote.

Submissions (3):

Baylor Genetics
Classification: Uncertain significance for Melanoma and neural system tumor syndrome. Last evaluated: 2023-10-09. Review status: criteria provided, single submitter. Criteria: ACMG Guidelines, 2015. Collection method: clinical testing. Allele origin: unknown.

Ambry Genetics
Classification: Uncertain significance for Hereditary cancer-predisposing syndrome. Last evaluated: 2023-08-21. Review status: criteria provided, single submitter. Criteria: Ambry Variant Classification Scheme 2023. Collection method: clinical testing. Allele origin: germline.
Comment: The p.H26R variant (also known as c.77A>G), located in coding exon 1 of the CDKN2A (p14ARF) gene, results from an A to G substitution at nucleotide position 77. The histidine at codon 26 is replaced by arginine, an amino acid with highly similar properties. This amino acid position is poorly conserved in available vertebrate species. In addition, this alteration is predicted to be tolerated by in silico analysis. Since supporting evidence is limited at this time, the clinical significance of this alteration remains unclear.

Labcorp Genetics (formerly Invitae), Labcorp
Classification: Uncertain significance for Familial melanoma. Last evaluated: 2021-09-18. Review status: criteria provided, single submitter. Criteria: Invitae Variant Classification Sherloc (09022015). Collection method: clinical testing. Allele origin: germline.
Comment: This sequence change replaces histidine with arginine at codon 26 of the CDKN2A (p14ARF) protein (p.His26Arg). The histidine residue is weakly conserved and there is a small physicochemical difference between histidine and arginine. This variant is present in population databases (rs780803896, ExAC 0.006%). This variant has not been reported in the literature in individuals affected with CDKN2A (p14ARF)-related conditions. Algorithms developed to predict the effect of missense changes on protein structure and function output the following: SIFT: "Tolerated"; PolyPhen-2: "Possibly Damaging"; Align-GVGD: "Class C0". The arginine amino acid residue is found in multiple mammalian species, which suggests that this missense change does not adversely affect protein function. In summary, the available evidence is currently insufficient to determine the role of this variant in disease. Therefore, it has been classified as a Variant of Uncertain Significance.